The following is an entry in ClinVar:

NM_003183.6(ADAM17):c.43G>A (p.Val15Met)

Gene: ADAM17 (ADAM metallopeptidase domain 17; minus strand). Cytogenetic location: 2p25.1.
Variant type: single nucleotide variant.
Coding change: c.43G>A on transcript NM_003183.6 (MANE Select); coding-DNA position 43, G replaced by A.
Protein change: p.Val15Met; replaces valine 15 with methionine.
Molecular consequence: missense variant. On other transcripts: 5 prime UTR variant (2).
Genome position (GRCh38, 1-based): chr2:9,555,563, C>T on the plus strand (G>A on the coding strand, the complement: ADAM17 is on the minus strand). VCF-style: chr2-9555563-C-T. GRCh37 (hg19) VCF-style: chr2-9695692-C-T.
Other names: c.-638G>A (NM_001382777.1); c.-880G>A (NM_001382778.1); short protein forms V15M.
Identifiers: ClinVar variation 1899620 (VCV001899620.5), dbSNP rs775086314, ClinGen allele CA345790027.

ClinVar aggregate classification (germline): Uncertain significance (1 of 4 stars; one submission).

Conditions:
Inflammatory skin and bowel disease, neonatal, 1. Identifiers: Orphanet 294023, MedGen C3280501, MONDO:0013693, OMIM 614328.

gnomAD v4.1: 7 of 1,601,934 alleles (0.00044%); highest among the groups gnomAD compares: Admixed American, 0.012%; no homozygotes.

Submission:

Labcorp Genetics (formerly Invitae), Labcorp
Classification: Uncertain significance for Inflammatory skin and bowel disease, neonatal, 1. Last evaluated: 2022-05-16. Review status: criteria provided, single submitter. Criteria: Invitae Variant Classification Sherloc (09022015). Collection method: clinical testing. Allele origin: germline.
Comment: This sequence change replaces valine, which is neutral and non-polar, with methionine, which is neutral and non-polar, at codon 15 of the ADAM17 protein (p.Val15Met). Algorithms developed to predict the effect of missense changes on protein structure and function are either unavailable or do not agree on the potential impact of this missense change (SIFT: "Not Available"; PolyPhen-2: "Benign"; Align-GVGD: "Not Available"). This variant has not been reported in the literature in individuals affected with ADAM17-related conditions. This variant is not present in population databases (gnomAD no frequency). In summary, the available evidence is currently insufficient to determine the role of this variant in disease. Therefore, it has been classified as a Variant of Uncertain Significance.